The following is an entry in ClinVar:

NM_000486.6(AQP2):c.502G>A (p.Val168Met)

Genes: AQP2 (aquaporin 2; plus strand), AQP5-AS1 (AQP5 and AQP2 antisense RNA 2; minus strand). Cytogenetic location: 12q13.12.
Variant type: single nucleotide variant.
Coding change: c.502G>A on transcript NM_000486.6 (MANE Select); coding-DNA position 502, G replaced by A.
Protein change: p.Val168Met; replaces valine 168 with methionine.
Molecular consequence: missense variant. On other transcripts: non-coding transcript variant (1).
Genome position (GRCh38, 1-based): chr12:49,954,296, G>A. VCF-style: chr12-49954296-G-A. GRCh37 (hg19) VCF-style: chr12-50348079-G-A.
Other names: short protein forms V168M.
Identifiers: ClinVar variation 1809696 (VCV001809696.5), dbSNP rs755694590, ClinGen allele CA6559259.

ClinVar aggregate classification (germline): Pathogenic/Likely pathogenic. Review status: criteria provided, multiple submitters, no conflicts (2 of 4 stars). 3 submissions from 3 submitters: Pathogenic (1); Likely pathogenic (2). Last evaluated 2025-08-10.

Conditions:
Diabetes insipidus, nephrogenic, autosomal (NDI2). Also called: Diabetes insipidus, nephrogenic, 2, autosomal; Nephrogenic Diabetes Insipidus, Type II. Identifiers: Orphanet 223, MedGen C1563706, MONDO:0007451, OMIM 125800.
Nephrogenic diabetes insipidus. Identifiers: Orphanet 223, MedGen C0162283, MONDO:0016383, HP:0009806.

Allele frequency attached by ClinVar (database versions not stated): gnomAD 0.00001; gnomAD exomes 0.00001; TOPMed 0.00002; ExAC 0.00007.
gnomAD v4.1: 20 of 1,609,004 alleles (0.0012%); highest among the groups gnomAD compares: Admixed American, 0.022%; no homozygotes.

Submissions (3):

Natera, Inc.
Classification: Likely pathogenic for Nephrogenic diabetes insipidus. Last evaluated: 2025-08-10. Review status: criteria provided, single submitter. Criteria: Natera Variant Classification Schema (03/2026). Collection method: clinical testing. Allele origin: germline.
Comment: The c.502G>A variant in AQP2 is a missense variant predicted to cause substitution of valine to methionine at amino acid 168. This variant is rare in the general population with a frequency below the threshold expected for the associated phenotype(s). This variant has been observed in one or more individuals affected with the associated recessive disease, as either homozygous or compound heterozygous with a second variant (PMID: 15100362, 34177810, 31738409, 9402087). This variant has been identified in one or more affected individuals with a phenotype highly consistent with the associated gene (PMID:34177810). Computational prediction algorithms indicate this variant is likely to affect gene or protein function. Given the available evidence, this variant is classified as Likely Pathogenic.

Fulgent Genetics
Classification: Likely pathogenic for Diabetes insipidus, nephrogenic, autosomal. Last evaluated: 2024-06-11. Review status: criteria provided, single submitter. Criteria: ACMG Guidelines, 2015. Collection method: clinical testing. Allele origin: germline.

Juno Genomics, Hangzhou Juno Genomics, Inc
Classification: Pathogenic for Diabetes insipidus, nephrogenic, autosomal. Review status: criteria provided, single submitter. Criteria: ACMG Guidelines, 2015. Collection method: clinical testing. Allele origin: germline. Affected: yes.
Comment: Absent from controls (or at extremely low frequency if recessive) in Genome Aggregation Database, Exome Sequencing Project, 1000 Genomes Project, or Exome Aggregation Consortium.;Multiple lines of computational evidence support a deleterious effect on the gene or gene product (conservation, evolutionary, splicing impact, etc).;For recessive disorders, detected in trans with a pathogenic variant.;Patient's phenotype or family history is highly specific for a disease with a single genetic etiology.;Co-segregation with disease in multiple affected family members in a gene definitively known to cause the disease.

Literature cited by the submitters: PubMed 15100362 (cited by Natera, Inc.); PubMed 34177810 (cited by Natera, Inc.); PubMed 31738409 (cited by Natera, Inc.); PubMed 9402087 (cited by Natera, Inc.).